The following is an entry in ClinVar:

NM_000138.5(FBN1):c.3464-1del

Gene: FBN1 (fibrillin 1; minus strand). Cytogenetic location: 15q21.1.
Variant type: Deletion.
Coding change: c.3464-1del on transcript NM_000138.5 (MANE Select); the canonical splice acceptor site of the intron before coding-DNA position 3464, one base deleted (G; older notation c.3464-1delG).
Molecular consequence: splice acceptor variant.
Genome position (GRCh38, 1-based): chr15:48,487,201, C deleted on the plus strand (G on the coding strand, the reverse complement: FBN1 is on the minus strand). VCF-style (leftmost placement, unchanged base first): chr15-48487200-TC-T. GRCh37 (hg19) VCF-style: chr15-48779397-TC-T.
Other names: c.3464-1del (NM_001406716.1).
Identifiers: ClinVar variation 1457302 (VCV001457302.8), dbSNP rs2141293337, ClinGen allele CA2573150829.
Genomic context (GRCh38, chr15:48,487,200, plus strand): 5'-ATGAGGTTCACGCAACGGCCATTGGGGCACAGGTGTGCACTCAGCTCACATTCATTGATG[TC>T]TGTCGGGAAAATAAGAAGAACAAACACCCAAACATAAGCTTCCAACTTTGGCAATGATGT-3'

ClinVar aggregate classification (germline): Pathogenic (1 of 4 stars; one submission).

Conditions:
Marfan syndrome (MFS). Also called: MARFAN SYNDROME, TYPE I; Marfan syndrome type 1; Marfan's syndrome; Marfan syndrome, classic; FBN1-Related Marfan Syndrome. Identifiers: Orphanet 284963, Orphanet 558, MedGen C0024796, MONDO:0007947, OMIM 154700.
Familial thoracic aortic aneurysm and aortic dissection (TAAD). Also called: Thoracic aortic aneurysms and dissections. Identifiers: Orphanet 91387, MedGen C4707243, MONDO:0019625.

Submission:

Labcorp Genetics (formerly Invitae), Labcorp
Classification: Pathogenic for Marfan syndrome; Familial thoracic aortic aneurysm and aortic dissection. Last evaluated: 2021-06-02. Review status: criteria provided, single submitter. Criteria: Invitae Variant Classification Sherloc (09022015). Collection method: clinical testing. Allele origin: germline.
Comment: For these reasons, this variant has been classified as Pathogenic. Algorithms developed to predict the effect of sequence changes on RNA splicing suggest that this variant may disrupt the consensus splice site, but this prediction has not been confirmed by published transcriptional studies. Disruption of this splice site has been observed in individual(s) with Marfan syndrome (PMID: 19293843, 24698609). This variant is not present in population databases (ExAC no frequency). This sequence change affects a splice site in intron 28 of the FBN1 gene. It is expected to disrupt RNA splicing. Variants that disrupt the donor or acceptor splice site typically lead to a loss of protein function (PMID: 16199547), and loss-of-function variants in FBN1 are known to be pathogenic (PMID: 17657824, 19293843).

Literature cited by the submitters: PubMed 19293843; PubMed 24698609; PubMed 16199547; PubMed 17657824.